The following is an entry in ClinVar:

NM_000179.3(MSH6):c.3543C>A (p.Asp1181Glu)

Gene: MSH6 (mutS homolog 6; plus strand). Cytogenetic location: 2p16.3.
Variant type: single nucleotide variant.
Coding change: c.3543C>A on transcript NM_000179.3 (MANE Select); coding-DNA position 3543, C replaced by A.
Protein change: p.Asp1181Glu; replaces aspartic acid 1181 with glutamic acid.
Molecular consequence: missense variant.
Genome position (GRCh38, 1-based): chr2:47,805,014, C>A. VCF-style: chr2-47805014-C-A. GRCh37 (hg19) VCF-style: chr2-48032153-C-A.
Other names: c.3153C>A, p.Asp1051Glu (NM_001281492.2); c.2637C>A, p.Asp879Glu (NM_001281493.2, NM_001281494.2); short protein forms D1181E, D879E, D1051E.
Identifiers: ClinVar variation 578919 (VCV000578919.12), dbSNP rs267608100, ClinGen allele CA346760250.

ClinVar aggregate classification (germline): Uncertain significance. Review status: criteria provided, multiple submitters, no conflicts (2 of 4 stars). 4 submissions from 4 submitters: Uncertain significance (4). Last evaluated 2025-12-04.

Conditions:
Hereditary cancer-predisposing syndrome. Also called: Neoplastic Syndromes, Hereditary; Tumor predisposition; Hereditary neoplastic syndrome; Hereditary Cancer Syndrome. Identifiers: Orphanet 140162, MedGen C0027672, MeSH D009386, MONDO:0015356.
Hereditary nonpolyposis colorectal neoplasms. Identifiers: MedGen C0009405, MeSH D003123.
Lynch syndrome. Identifiers: Orphanet 144, MedGen C4552100, MONDO:0005835. Disease mechanism: loss of function.

gnomAD v4.1: 1 of 1,611,688 alleles (0.000062%); highest among the groups gnomAD compares: Non-Finnish European, 0.000085%; no homozygotes.

Submissions (4):

Ambry Genetics
Classification: Uncertain significance for Hereditary cancer-predisposing syndrome. Last evaluated: 2025-12-04. Review status: criteria provided, single submitter. Criteria: Ambry Variant Classification Scheme 2023. Collection method: clinical testing. Allele origin: germline.
Comment: The p.D1181E variant (also known as c.3543C>A), located in coding exon 6 of the MSH6 gene, results from a C to A substitution at nucleotide position 3543. The aspartic acid at codon 1181 is replaced by glutamic acid, an amino acid with highly similar properties. This amino acid position is highly conserved in available vertebrate species. In addition, this alteration is predicted to be deleterious by in silico analysis. Since supporting evidence is limited at this time, the clinical significance of this alteration remains unclear.

All of Us Research Program, National Institutes of Health
Classification: Uncertain significance for Lynch syndrome. Last evaluated: 2023-11-20. Review status: criteria provided, single submitter. Criteria: ACMG Guidelines, 2015. Collection method: clinical testing. Allele origin: germline. Inheritance: Autosomal dominant inheritance. Observed: 1 variant allele, 1 heterozygote.
Comment: This missense variant replaces aspartic acid with glutamic acid at codon 1181 of the MSH6 protein. Computational prediction suggests that this variant may have deleterious impact on protein structure and function (internally defined REVEL score threshold >= 0.7, PMID: 27666373). To our knowledge, functional studies have not been reported for this variant. This variant has been reported in individuals affected with Lynch syndrome. Some of these individuals also carried the pathogenic c.3647 -1G > A that could explain the observed phenotype (PMID: 22495361). This variant has not been identified in the general population by the Genome Aggregation Database (gnomAD). The available evidence is insufficient to determine the role of this variant in disease conclusively. Therefore, this variant is classified as a Variant of Uncertain Significance.

This study involves interpretation of variants in research participants for the purpose of population health screening. Participant phenotype was not available at the time of variant classification. Additional details can be found in publication PMID: 35346344, PMCID: PMC8962531

Color Diagnostics, LLC DBA Color Health
Classification: Uncertain significance for Hereditary cancer-predisposing syndrome. Last evaluated: 2023-10-25. Review status: criteria provided, single submitter. Criteria: ACMG Guidelines, 2015. Collection method: clinical testing. Allele origin: germline.
Comment: This missense variant replaces aspartic acid with glutamic acid at codon 1181 of the MSH6 protein. Computational prediction suggests that this variant may have deleterious impact on protein structure and function (internally defined REVEL score threshold >= 0.7, PMID: 27666373). To our knowledge, functional studies have not been reported for this variant. This variant has been reported in individuals affected with Lynch syndrome. Some of these individuals also carried the pathogenic c.3647 -1G > A that could explain the observed phenotype (PMID: 22495361). This variant has not been identified in the general population by the Genome Aggregation Database (gnomAD). The available evidence is insufficient to determine the role of this variant in disease conclusively. Therefore, this variant is classified as a Variant of Uncertain Significance.

Labcorp Genetics (formerly Invitae), Labcorp
Classification: Uncertain significance for Hereditary nonpolyposis colorectal neoplasms. Last evaluated: 2022-03-27. Review status: criteria provided, single submitter. Criteria: Invitae Variant Classification Sherloc (09022015). Collection method: clinical testing. Allele origin: germline.
Comment: This sequence change replaces aspartic acid, which is acidic and polar, with glutamic acid, which is acidic and polar, at codon 1181 of the MSH6 protein (p.Asp1181Glu). This variant is not present in population databases (gnomAD no frequency). This missense change has been observed in individual(s) with hereditary nonpolyposis colorectal cancer (PMID: 18566915, 22495361). This missense change has been observed to co-occur in individuals with a different variant in MSH6 that has been determined to be pathogenic (PMID: 18566915, 22495361), but the significance of this finding is unclear. ClinVar contains an entry for this variant (Variation ID: 578919). Advanced modeling of protein sequence and biophysical properties (such as structural, functional, and spatial information, amino acid conservation, physicochemical variation, residue mobility, and thermodynamic stability) performed at Invitae indicates that this missense variant is expected to disrupt MSH6 protein function. In summary, the available evidence is currently insufficient to determine the role of this variant in disease. Therefore, it has been classified as a Variant of Uncertain Significance.

Literature cited by the submitters: PubMed 22495361 (cited by 3 submitters); PubMed 18566915 (cited by Labcorp Genetics (formerly Invitae), Labcorp).